The following is an entry in ClinVar:

ClinVar aggregate classification (germline): Benign. Review status: criteria provided, multiple submitters, no conflicts (2 of 4 stars). 3 submissions from 3 submitters: Benign (2). 1 of the submissions does not count toward it. Last evaluated 2025-12-17.

Conditions:
HHAT-related disorder. Also called: HHAT-related condition.

Allele frequency attached by ClinVar (database versions not stated): gnomAD exomes 0.00177 and 0.00355; ExAC 0.00417; gnomAD 0.01096 and 0.01167; 1000 Genomes Project 0.01138; ESP Exome Variant Server 0.01192; 1000 Genomes Project 30x 0.01234; TOPMed 0.01291.
gnomAD v4.1: 4,389 of 1,614,044 alleles (0.27%); highest among the groups gnomAD compares: African/African-American, 3.4%; 62 homozygotes.

Submissions (3):

Labcorp Genetics (formerly Invitae), Labcorp
Classification: Benign. Last evaluated: 2025-12-17. Review status: criteria provided, single submitter. Criteria: Invitae Variant Classification Sherloc (09022015). Collection method: clinical testing. Allele origin: germline.

Breakthrough Genomics
Classification: Benign. Review status: criteria provided, single submitter. Criteria: ACMG Guidelines, 2015. Collection method: not provided. Allele origin: germline. Inheritance: Autosomal recessive inheritance. Affected: yes.

PreventionGenetics, part of Exact Sciences
Classification: Benign for HHAT-related condition. Last evaluated: 2019-05-16. Review status: no assertion criteria provided. Collection method: clinical testing. Allele origin: germline. Not counted in ClinVar's aggregate classification.
Comment: This variant is classified as benign based on ACMG/AMP sequence variant interpretation guidelines (Richards et al. 2015 PMID: 25741868, with internal and published modifications).

NM_018194.6(HHAT):c.1167A>G (p.Ala389=)

Gene: HHAT (hedgehog acyltransferase; plus strand). Cytogenetic location: 1q32.2.
Variant type: single nucleotide variant.
Coding change: c.1167A>G on transcript NM_018194.6 (MANE Select); coding-DNA position 1167, A replaced by G.
Protein change: p.Ala389=; no amino-acid change (alanine 389 retained).
Molecular consequence: synonymous variant.
Genome position (GRCh38, 1-based): chr1:210,588,021, A>G. VCF-style: chr1-210588021-A-G. GRCh37 (hg19) VCF-style: chr1-210761365-A-G.
Other names: c.1170A>G (NM_001170587.2); c.1167A>G, p.Ala389= (NM_001122834.4, NM_001170580.3); c.756A>G, p.Ala252= (NM_001170564.3); c.1170A>G, p.Ala390= (NM_001170587.3); c.972A>G, p.Ala324= (NM_001170588.3).
Identifiers: ClinVar variation 787222 (VCV000787222.13), dbSNP rs35867665, ClinGen allele CA1379384.